The following is an entry in ClinVar:

NM_001370259.2(MEN1):c.1759A>T (p.Met587Leu)

Gene: MEN1 (menin 1; minus strand). Cytogenetic location: 11q13.1.
Variant type: single nucleotide variant.
Coding change: c.1759A>T on transcript NM_001370259.2 (MANE Select); coding-DNA position 1759, A replaced by T.
Protein change: p.Met587Leu; replaces methionine 587 with leucine.
Molecular consequence: missense variant.
Genome position (GRCh38, 1-based): chr11:64,804,408, T>A on the plus strand (A>T on the coding strand, the complement: MEN1 is on the minus strand). VCF-style: chr11-64804408-T-A. GRCh37 (hg19) VCF-style: chr11-64571880-T-A.
Other names: c.1774A>T, p.Met592Leu (NM_000244.4, NM_001407145.1, NM_130800.3 and 4 more transcripts); c.1885A>T, p.Met629Leu (NM_001370251.2, NM_001407142.1, NM_001407143.1 and 1 more transcripts); c.1759A>T, p.Met587Leu (NM_001370260.2, NM_001370261.2, NM_001407146.1 and 2 more transcripts); c.1654A>T, p.Met552Leu (NM_001370262.2, NM_001370263.2, NM_001407148.1 and 1 more transcripts); c.1900A>T, p.Met634Leu (NM_001407150.1); c.1780A>T, p.Met594Leu (NM_001407151.1); c.1594A>T, p.Met532Leu (NM_001407152.1); short protein forms M592L, M532L, M634L, M552L, M587L, M629L, M594L.
Identifiers: ClinVar variation 1779526 (VCV001779526.3), dbSNP rs2497101713, ClinGen allele CA381177417.

ClinVar aggregate classification (germline): Uncertain significance. Review status: criteria provided, multiple submitters, no conflicts (2 of 4 stars). 2 submissions from 2 submitters: Uncertain significance (2). Last evaluated 2024-07-29.

Conditions:
Multiple endocrine neoplasia, type 1 (MEN1). Also called: MEN I; WERMER SYNDROME; Endocrine adenomatosis multiple; MEN 1; MEA I. Identifiers: Orphanet 652, MedGen C0025267, MeSH D018761, MONDO:0007540, OMIM 131100.
Hereditary cancer-predisposing syndrome. Also called: Tumor predisposition; Neoplastic Syndromes, Hereditary; Hereditary Cancer Syndrome; Hereditary neoplastic syndrome. Identifiers: Orphanet 140162, MedGen C0027672, MeSH D009386, MONDO:0015356.

Submissions (2):

All of Us Research Program, National Institutes of Health
Classification: Uncertain significance for Multiple endocrine neoplasia, type 1. Last evaluated: 2024-07-29. Review status: criteria provided, single submitter. Criteria: ACMG Guidelines, 2015. Collection method: clinical testing. Allele origin: germline. Inheritance: Autosomal dominant inheritance. Observed: 1 variant allele, 1 heterozygote.
Comment: This missense variant replaces methionine with leucine at codon 587 of the MEN1 protein. Computational prediction is inconclusive regarding the impact of this variant on protein structure and function (internally defined REVEL score threshold 0.5 < inconclusive < 0.7, PMID: 27666373). To our knowledge, functional studies have not been reported for this variant. This variant has not been reported in individuals affected with MEN1-related disorders in the literature. This variant has not been identified in the general population by the Genome Aggregation Database (gnomAD). The available evidence is insufficient to determine the role of this variant in disease conclusively. Therefore, this variant is classified as a Variant of Uncertain Significance.

This study involves interpretation of variants in research participants for the purpose of population health screening. Participant phenotype was not available at the time of variant classification. Additional details can be found in publication PMID: 35346344, PMCID: PMC8962531

Ambry Genetics
Classification: Uncertain significance for Hereditary cancer-predisposing syndrome. Last evaluated: 2021-08-16. Review status: criteria provided, single submitter. Criteria: Ambry Variant Classification Scheme 2023. Collection method: clinical testing. Allele origin: germline.
Comment: The p.M587L variant (also known as c.1759A>T), located in coding exon 9 of the MEN1 gene, results from an A to T substitution at nucleotide position 1759. The methionine at codon 587 is replaced by leucine, an amino acid with highly similar properties. This amino acid position is well conserved in available vertebrate species. In addition, this alteration is predicted to be deleterious by in silico analysis. Since supporting evidence is limited at this time, the clinical significance of this alteration remains unclear.